The following is an entry in ClinVar:

NM_005506.4(SCARB2):c.970C>G (p.Leu324Val)

Gene: SCARB2 (scavenger receptor class B member 2; minus strand). Cytogenetic location: 4q21.1.
Variant type: single nucleotide variant.
Coding change: c.970C>G on transcript NM_005506.4 (MANE Select); coding-DNA position 970, C replaced by G.
Protein change: p.Leu324Val; replaces leucine 324 with valine.
Molecular consequence: missense variant.
Genome position (GRCh38, 1-based): chr4:76,174,168, G>C on the plus strand (C>G on the coding strand, the complement: SCARB2 is on the minus strand). VCF-style: chr4-76174168-G-C. GRCh37 (hg19) VCF-style: chr4-77095321-G-C.
Other names: c.541C>G, p.Leu181Val (NM_001204255.2); short protein forms L181V, L324V.
Identifiers: ClinVar variation 1040944 (VCV001040944.6), dbSNP rs1732195035, ClinGen allele CA357315542.

ClinVar aggregate classification (germline): Uncertain significance (1 of 4 stars; one submission).

Conditions:
Progressive myoclonic epilepsy. Also called: Familial progressive myoclonic epilepsy; Myoclonic Epilepsies, Progressive; Progressive myoclonus epilepsy; Myoclonus epilepsy. Identifiers: Orphanet 308, Orphanet 98261, MedGen C0751778, MONDO:0020074.

Allele frequency attached by ClinVar (database versions not stated): gnomAD exomes below 0.00001.
gnomAD v4.1: 1 of 1,613,984 alleles (0.000062%); highest among the groups gnomAD compares: Non-Finnish European, 0.000085%; no homozygotes.

Submission:

Labcorp Genetics (formerly Invitae), Labcorp
Classification: Uncertain significance for Progressive myoclonic epilepsy. Last evaluated: 2020-03-23. Review status: criteria provided, single submitter. Criteria: Invitae Variant Classification Sherloc (09022015). Collection method: clinical testing. Allele origin: germline.
Comment: In summary, the available evidence is currently insufficient to determine the role of this variant in disease. Therefore, it has been classified as a Variant of Uncertain Significance. Algorithms developed to predict the effect of missense changes on protein structure and function are either unavailable or do not agree on the potential impact of this missense change (SIFT: "Deleterious"; PolyPhen-2: "Probably Damaging"; Align-GVGD: "Class C15"). This variant has not been reported in the literature in individuals with SCARB2-related conditions. This variant is not present in population databases (ExAC no frequency). This sequence change replaces leucine with valine at codon 324 of the SCARB2 protein (p.Leu324Val). The leucine residue is highly conserved and there is a small physicochemical difference between leucine and valine.